The following is an entry in ClinVar:

NM_001358530.2(MOCS1):c.1151-12C>T

Gene: MOCS1 (molybdenum cofactor synthesis 1; minus strand). Cytogenetic location: 6p21.2.
Variant type: single nucleotide variant.
Coding change: c.1151-12C>T on transcript NM_001358530.2 (MANE Select); 12 bases into the intron before coding-DNA position 1151, C replaced by T.
Molecular consequence: intron variant.
Genome position (GRCh38, 1-based): chr6:39,907,129, G>A on the plus strand (C>T on the coding strand, the complement: MOCS1 is on the minus strand). VCF-style: chr6-39907129-G-A. GRCh37 (hg19) VCF-style: chr6-39874905-G-A.
Other names: c.890-12C>T (NM_001358531.2); c.*8-12C>T (NM_001358533.2, NM_001075098.4, NM_001358534.2 and 1 more transcripts); c.1103-12C>T (NM_001358529.2).
Identifiers: ClinVar variation 2019661 (VCV002019661.4), dbSNP rs2149396833, ClinGen allele CA2580074489.

ClinVar aggregate classification (germline): Uncertain significance (1 of 4 stars; one submission).

Conditions:
Sulfite oxidase deficiency due to molybdenum cofactor deficiency type A. Also called: Molybdenum cofactor deficiency, complementation group A; Molybdenum Cofactor Deficiency A. Identifiers: Orphanet 308386, Orphanet 833, MedGen C1854988, MONDO:0009643, OMIM 252150.

Allele frequency attached by ClinVar (database versions not stated): gnomAD 0.00001.

Submission:

Labcorp Genetics (formerly Invitae), Labcorp
Classification: Uncertain significance for Sulfite oxidase deficiency due to molybdenum cofactor deficiency type A. Last evaluated: 2022-07-25. Review status: criteria provided, single submitter. Criteria: Invitae Variant Classification Sherloc (09022015). Collection method: clinical testing. Allele origin: germline.
Comment: In summary, the available evidence is currently insufficient to determine the role of this variant in disease. Therefore, it has been classified as a Variant of Uncertain Significance. This variant has not been reported in the literature in individuals affected with MOCS1-related conditions. This variant is not present in population databases (gnomAD no frequency). This sequence change falls in intron 10 of the MOCS1 gene. It does not directly change the encoded amino acid sequence of the MOCS1 protein.